The following is an entry in ClinVar:

NM_001130438.3(SPTAN1):c.7308+15_7308+17del

Gene: SPTAN1 (spectrin alpha, non-erythrocytic 1; plus strand). Cytogenetic location: 9q34.11.
Variant type: Microsatellite.
Coding change: c.7308+15_7308+17del on transcript NM_001130438.3 (MANE Select); bases 15 to 17 of the intron after coding-DNA position 7308, 3 bases deleted (AGG; older notation c.7308+15_7308+17delAGG).
Molecular consequence: intron variant.
Genome position (GRCh38, 1-based): chr9:128,632,970-128,632,972, AGG deleted; deleting any 3 consecutive bases within chr9:128,632,967-128,632,972 gives the same sequence; the c. name uses the placement nearest the transcript's 3' end. VCF-style (leftmost placement, unchanged base first): chr9-128632966-CAGG-C. GRCh37 (hg19) VCF-style: chr9-131395245-CAGG-C.
Other names: c.7407+15_7407+17del (NM_001375318.1); c.7344+15_7344+17del (NM_001375312.2); c.7308+15_7308+17del (NM_001375311.2); c.7248+15_7248+17del (NM_001375314.2, NM_001363765.2); c.7395+15_7395+17del (NM_001375310.1); c.7371+15_7371+17del (NM_001363759.2); c.7290+15_7290+17del (NM_001375313.1); c.7293+15_7293+17del (NM_003127.4); and 1 more.
Identifiers: ClinVar variation 3632914 (VCV003632914.2).

ClinVar aggregate classification (germline): Uncertain significance (1 of 4 stars; one submission).

Conditions:
Early-infantile DEE. Also called: Early infantile epileptic encephalopathy with suppression bursts; Early infantile epileptic encephalopathy; Ohtahara syndrome. Identifiers: Orphanet 1934, MedGen C0393706, MONDO:0800491.

Submission:

Labcorp Genetics (formerly Invitae), Labcorp
Classification: Uncertain significance for Early-infantile DEE. Last evaluated: 2024-09-19. Review status: criteria provided, single submitter. Criteria: Invitae Variant Classification Sherloc (09022015). Collection method: clinical testing. Allele origin: germline.
Comment: This sequence change falls in intron 56 of the SPTAN1 gene. It does not directly change the encoded amino acid sequence of the SPTAN1 protein. This variant is not present in population databases (gnomAD no frequency). This variant has not been reported in the literature in individuals affected with SPTAN1-related conditions. Algorithms developed to predict the effect of sequence changes on RNA splicing suggest that this variant may create or strengthen a splice site. In summary, the available evidence is currently insufficient to determine the role of this variant in disease. Therefore, it has been classified as a Variant of Uncertain Significance.